The following is an entry in ClinVar:

ClinVar aggregate classification (germline): Likely benign. Review status: criteria provided, single submitter (1 of 4 stars). 2 submissions from 2 submitters: Likely benign (1). 1 of the submissions does not count toward it. Last evaluated 2023-05-16.

Conditions:
TRIM32-related disorder. Also called: TRIM32-related condition.
Bardet-Biedl syndrome (BBS). Identifiers: Orphanet 110, MedGen C0752166, MONDO:0015229.

Allele frequency attached by ClinVar (database versions not stated): gnomAD exomes below 0.00001; gnomAD 0.00001; TOPMed 0.00002.
gnomAD v4.1: 4 of 1,613,766 alleles (0.00025%); highest among the groups gnomAD compares: African/African-American, 0.0027%; no homozygotes.

Submissions (2):

Labcorp Genetics (formerly Invitae), Labcorp
Classification: Likely benign for Bardet-Biedl syndrome. Last evaluated: 2023-05-16. Review status: criteria provided, single submitter. Criteria: Invitae Variant Classification Sherloc (09022015). Collection method: clinical testing. Allele origin: germline.

PreventionGenetics, part of Exact Sciences
Classification: Likely benign for TRIM32-related condition. Last evaluated: 2020-01-03. Review status: no assertion criteria provided. Collection method: clinical testing. Allele origin: germline. Not counted in ClinVar's aggregate classification.
Comment: This variant is classified as likely benign based on ACMG/AMP sequence variant interpretation guidelines (Richards et al. 2015 PMID: 25741868, with internal and published modifications).

NM_012210.4(TRIM32):c.1269G>A (p.Gly423=)

Genes: ASTN2 (astrotactin 2; minus strand), TRIM32 (tripartite motif containing 32; plus strand). Cytogenetic location: 9q33.1.
Variant type: single nucleotide variant.
Coding change: c.1269G>A on transcript NM_012210.4 (MANE Select); coding-DNA position 1269, G replaced by A.
Protein change: p.Gly423=; no amino-acid change (glycine 423 retained).
Molecular consequence: synonymous variant. On other transcripts: intron variant (3).
Genome position (GRCh38, 1-based): chr9:116,699,011, G>A. VCF-style: chr9-116699011-G-A. GRCh37 (hg19) VCF-style: chr9-119461290-G-A.
Other names: c.1269G>A, p.Gly423= (NM_001099679.2, NM_001379048.1, NM_001379049.1 and 1 more transcripts); c.2653+26760C>T (NM_014010.5); c.2794+26760C>T (NM_001365069.1); c.2806+26760C>T (NM_001365068.1).
Identifiers: ClinVar variation 701531 (VCV000701531.10), dbSNP rs1335843396, ClinGen allele CA466916839.